The following is an entry in ClinVar:

ClinVar aggregate classification (germline): Pathogenic/Likely pathogenic. Review status: criteria provided, multiple submitters, no conflicts (2 of 4 stars). 13 submissions from 13 submitters: Pathogenic (12); Likely pathogenic (1). Last evaluated 2026-02-23.

Conditions:
GFM1-related disorders.
Hepatoencephalopathy due to combined oxidative phosphorylation defect type 1. Also called: HEPATOENCEPHALOPATHY, EARLY FATAL PROGRESSIVE. Identifiers: Orphanet 137681, MedGen C1836797, MONDO:0012191, OMIM 609060.

Allele frequency attached by ClinVar (database versions not stated): 1000 Genomes Project 0.00020; 1000 Genomes Project 30x 0.00031; gnomAD exomes 0.00003 and 0.00006; ExAC 0.00004; gnomAD 0.00006; TOPMed 0.00007; ESP Exome Variant Server 0.00008.
gnomAD v4.1: 54 of 1,613,704 alleles (0.0033%); highest among the groups gnomAD compares: Admixed American, 0.02%; no homozygotes.

Submissions (13):

Women's Health and Genetics/Laboratory Corporation of America, LabCorp
Classification: Pathogenic for Hepatoencephalopathy due to combined oxidative phosphorylation defect type 1. Last evaluated: 2026-02-23. Review status: criteria provided, single submitter. Criteria: LabCorp Variant Classification Summary - May 2015. Collection method: clinical testing. Allele origin: germline.
Comment: Variant summary: GFM1 c.2011C>T (p.Arg671Cys) results in a non-conservative amino acid change in the encoded protein sequence. Algorithms developed to predict the effect of missense changes on protein structure and function all suggest that this variant is likely to be disruptive. The variant allele was found at a frequency of 6.4e-05 in 251434 control chromosomes. This frequency is not significantly higher than estimated for disease-causing variants in GFM1, allowing no conclusion about variant significance. c.2011C>T has been observed in multiple individuals affected with Combined Oxidative Phosphorylation Deficiency 1 (examples, Galmiche_2012, Loiselet_2021). These data indicate that the variant is very likely to be associated with disease. At least one publication reports experimental evidence evaluating an impact on protein function. The most pronounced variant effect results in <10% of normal activity in the patient's fibroblasts (Galmiche_2012). The following publications have been ascertained in the context of this evaluation (PMID: 21986555, 33511646). ClinVar contains an entry for this variant (Variation ID: 214500). Based on the evidence outlined above, the variant was classified as pathogenic.

Natera, Inc.
Classification: Pathogenic for Combined oxidative phosphorylation deficiency 1. Last evaluated: 2025-12-09. Review status: criteria provided, single submitter. Criteria: Natera Variant Classification Schema (03/2026). Collection method: clinical testing. Allele origin: germline.
Comment: The c.2011C>T variant in GFM1 is a missense variant predicted to cause substitution of arginine to cysteine at amino acid 671. This variant is rare in the general population with a frequency below the threshold expected for the associated phenotype(s). This variant has been observed in one or more individuals affected with the associated recessive disease, as either homozygous or compound heterozygous with a second variant (PMID: 31680380). Given the available evidence, this variant is classified as Pathogenic.

Dasa
Classification: Pathogenic. Last evaluated: 2025-04-10. Review status: criteria provided, single submitter. Criteria: DASA Assertion Criteria. Collection method: clinical testing. Allele origin: germline.
Comment: NM_024996.7(GFM1):c.2011C>T (p.Arg671Cys) is a missense variant that results in the substitution of arginine with cysteine. This variant has been observed in affected individuals with related phenotype in a genotype context consistent with recessive disease. Multiple computational predictions support a deleterious effect on the gene or gene product. The variant is present at low frequency in population datasets. Based on the available data, this variant is classified as pathogenic.

Labcorp Genetics (formerly Invitae), Labcorp
Classification: Pathogenic. Last evaluated: 2025-02-15. Review status: criteria provided, single submitter. Criteria: Invitae Variant Classification Sherloc (09022015). Collection method: clinical testing. Allele origin: germline.
Comment: This sequence change replaces arginine, which is basic and polar, with cysteine, which is neutral and slightly polar, at codon 671 of the GFM1 protein (p.Arg671Cys). This variant is present in population databases (rs201408725, gnomAD 0.03%). This missense change has been observed in individual(s) with oxidative phosphorylation deficiency (PMID: 21986555, 22277967, 25852744, 31680380). In at least one individual the data is consistent with being in trans (on the opposite chromosome) from a pathogenic variant. ClinVar contains an entry for this variant (Variation ID: 214500). Invitae Evidence Modeling of protein sequence and biophysical properties (such as structural, functional, and spatial information, amino acid conservation, physicochemical variation, residue mobility, and thermodynamic stability) has been performed for this missense variant. However, the output from this modeling did not meet the statistical confidence thresholds required to predict the impact of this variant on GFM1 protein function. For these reasons, this variant has been classified as Pathogenic.

Blueprint Genetics
Classification: Pathogenic for GFM1-related disorders. Last evaluated: 2024-11-17. Review status: criteria provided, single submitter. Criteria: ACMG Guidelines, 2015. Collection method: clinical testing. Allele origin: germline. Affected: yes. Observed: 4 variant alleles.

GeneDx
Classification: Pathogenic. Last evaluated: 2024-10-20. Review status: criteria provided, single submitter. Criteria: GeneDx Variant Classification Process June 2021. Collection method: clinical testing. Allele origin: germline. Affected: yes.
Comment: Published functional studies demonstrate oxidative phosphorylation dysfunction in liver mitochondria (PMID: 34919756); In silico analysis supports that this missense variant has a deleterious effect on protein structure/function; This variant is associated with the following publications: (PMID: 27345796, 21986555, 22277967, 25852744, 26937387, 31680380, 35581596, 34919756, 31683770, 32313153, 34440436, 35012964, 38786005)

Baylor Genetics
Classification: Pathogenic for Hepatoencephalopathy due to combined oxidative phosphorylation defect type 1. Last evaluated: 2024-02-29. Review status: criteria provided, single submitter. Criteria: ACMG Guidelines, 2015. Collection method: clinical testing. Allele origin: unknown.

3billion
Classification: Pathogenic for Hepatoencephalopathy due to combined oxidative phosphorylation defect type 1. Last evaluated: 2023-07-13. Review status: criteria provided, single submitter. Criteria: ACMG Guidelines, 2015. Collection method: clinical testing. Allele origin: germline. Affected: yes.
Comment: The variant is observed at an extremely low frequency in the gnomAD v2.1.1 dataset (total allele frequency: 0.007%). Predicted Consequence/Location: Protein truncation variants are a common disease-causing mechanism. In silico tool predictions suggest damaging effect of the variant on gene or gene product (REVEL: 0.81; 3Cnet: 0.98). Same nucleotide change resulting in same amino acid change has been previously reported as pathogenic/likely pathogenic with strong evidence (ClinVar ID: VCV000214500 /PMID: 21986555). The variant has been reported to be in trans with a pathogenic variant as either compound heterozygous or homozygous in at least 4 similarly affected unrelated individuals (PMID: 25852744, 31680380). Therefore, this variant is classified as Pathogenic according to the recommendation of ACMG/AMP guideline.

Revvity Omics, Revvity
Classification: Pathogenic for Hepatoencephalopathy due to combined oxidative phosphorylation defect type 1. Last evaluated: 2022-06-21. Review status: criteria provided, single submitter. Criteria: ACMG Guidelines, 2015. Collection method: clinical testing. Allele origin: germline.

Fulgent Genetics
Classification: Pathogenic for Hepatoencephalopathy due to combined oxidative phosphorylation defect type 1. Last evaluated: 2018-10-31. Review status: criteria provided, single submitter. Criteria: ACMG Guidelines, 2015. Collection method: clinical testing. Allele origin: unknown.

Kids Research, The Children's Hospital at Westmead
Classification: Pathogenic for Hepatoencephalopathy due to combined oxidative phosphorylation defect type 1. Review status: criteria provided, single submitter. Criteria: ACMG Guidelines, 2015. Collection method: research. Allele origin: inherited. Inheritance: Autosomal recessive inheritance. Affected: yes.

Laboratoire de Génétique Moléculaire Institut de Recherche Necker Enfants Malades, CHU Paris - Hôpital Necker-Enfants Malades
Classification: Pathogenic for Combined oxidative phosphorylation deficiency 1. Review status: criteria provided, single submitter. Criteria: ACMG Guidelines, 2015. Collection method: clinical testing. Allele origin: inherited. Affected: yes. Observed: 6 variant alleles.

Neuberg Centre For Genomic Medicine, NCGM
Classification: Likely pathogenic for Hepatoencephalopathy due to combined oxidative phosphorylation defect type 1. Review status: criteria provided, single submitter. Criteria: ACMG Guidelines, 2015. Collection method: clinical testing. Allele origin: germline. Inheritance: Autosomal recessive inheritance. Affected: yes.
Comment: The missense c.2011C>T(p.Arg671Cys) variant in GFM1 gene has been reported previously in the homozygous and compound heterozygous state in patients with complex IV deficiency (Galmiche et al., 2012; Calvo et al., 2012). This variant is reported with the allele frequency 0.006% in the gnomAD and novel in 1000 genome database. It has been submitted to ClinVar with varying interpretations: Pathogenic/ Likely Pathogenic. The amino acid Arg at position 671 is changed to a Cys changing protein sequence and it might alter its composition and physico-chemical properties. The amino acid change p.Arg671Cys in GFM1 is predicted as conserved by GERP++ and PhyloP across 100 vertebrates. For these reasons, the variant has been classified as Likely pathogenic.

Literature cited by the submitters: PubMed 33511646 (cited by Women's Health and Genetics/Laboratory Corporation of America, LabCorp); PubMed 21986555 (cited by 3 submitters); PubMed 31680380 (cited by 3 submitters); PubMed 22277967 (cited by Labcorp Genetics (formerly Invitae), Labcorp); PubMed 25852744 (cited by Labcorp Genetics (formerly Invitae), Labcorp and 3billion); PubMed 32313153 (cited by Kids Research, The Children's Hospital at Westmead).

NM_024996.7(GFM1):c.2011C>T (p.Arg671Cys)

Gene: GFM1 (G elongation factor mitochondrial 1; plus strand). Cytogenetic location: 3q25.32.
Variant type: single nucleotide variant.
Coding change: c.2011C>T on transcript NM_024996.7 (MANE Select); coding-DNA position 2011, C replaced by T.
Protein change: p.Arg671Cys; replaces arginine 671 with cysteine.
Molecular consequence: missense variant. On other transcripts: non-coding transcript variant (4).
Genome position (GRCh38, 1-based): chr3:158,690,264, C>T. VCF-style: chr3-158690264-C-T. GRCh37 (hg19) VCF-style: chr3-158408053-C-T.
Other names: p.R671C:CGC>TGC; c.2068C>T, p.Arg690Cys (NM_001308164.2); c.1930C>T, p.Arg644Cys (NM_001374355.1); c.1894C>T, p.Arg632Cys (NM_001374356.1); c.1786C>T, p.Arg596Cys (NM_001374357.1); c.1552C>T, p.Arg518Cys (NM_001374358.1); c.1444C>T, p.Arg482Cys (NM_001374359.1, NM_001374360.1); c.1327C>T, p.Arg443Cys (NM_001374361.1); short protein forms R671C, R690C, R443C, R482C, R518C, R596C, R632C, R644C.
Identifiers: ClinVar variation 214500 (VCV000214500.26), dbSNP rs201408725, ClinGen allele CA321516.